The following is an entry in ClinVar:

ClinVar aggregate classification (germline): Benign. Review status: criteria provided, multiple submitters, no conflicts (2 of 4 stars). 5 submissions from 5 submitters: Benign (5). Last evaluated 2021-07-14.

Conditions:
Ovarian dysgenesis 2 (ODG2). Also called: OVARIAN DYSGENESIS, HYPERGONADOTROPIC, X-LINKED; OVARIAN FAILURE, HYPERGONADOTROPIC, DUE TO OVARIAN DYSGENESIS. Identifiers: Orphanet 243, MedGen C1845294, MONDO:0010349, OMIM 300510.

Allele frequency attached by ClinVar (database versions not stated): 1000 Genomes Project 30x 0.02768; 1000 Genomes Project 0.02834; TOPMed 0.04701; gnomAD 0.05059 and 0.05113; ESP Exome Variant Server 0.05503; gnomAD exomes 0.05707 and 0.07340; ExAC 0.08748.

Submissions (5):

Genome-Nilou Lab
Classification: Benign for Ovarian dysgenesis 2. Last evaluated: 2021-07-14. Review status: criteria provided, single submitter. Criteria: ACMG Guidelines, 2015. Collection method: clinical testing. Allele origin: germline. Affected: no.

Illumina Laboratory Services, Illumina
Classification: Benign for Ovarian dysgenesis 2. Last evaluated: 2018-01-13. Review status: criteria provided, single submitter. Criteria: ICSL Variant Classification Criteria 13 December 2019. Collection method: clinical testing. Allele origin: germline.
Comment: This variant was observed in the ICSL laboratory as part of a predisposition screen in an ostensibly healthy population. It had not been previously curated by ICSL or reported in the Human Gene Mutation Database (HGMD: prior to June 1st, 2018), and was therefore a candidate for classification through an automated scoring system. Utilizing variant allele frequency, disease prevalence and penetrance estimates, and inheritance mode, an automated score was calculated to assess if this variant is too frequent to cause the disease. Based on the score and internal cut-off values, a variant classified as benign is not then subjected to further curation. The score for this variant resulted in a classification of benign for this disease.

GeneDx
Classification: Benign. Last evaluated: 2014-03-20. Review status: criteria provided, single submitter. Criteria: GeneDx Variant Classification (06012015). Collection method: clinical testing. Allele origin: germline. Affected: yes.
Comment: This variant is considered likely benign or benign based on one or more of the following criteria: it is a conservative change, it occurs at a poorly conserved position in the protein, it is predicted to be benign by multiple in silico algorithms, and/or has population frequency not consistent with disease.

Breakthrough Genomics
Classification: Benign. Review status: criteria provided, single submitter. Criteria: ACMG Guidelines, 2015. Collection method: not provided. Allele origin: germline. Inheritance: X-linked inheritance. Affected: yes.

PreventionGenetics, part of Exact Sciences
Classification: Benign. Review status: criteria provided, single submitter. Criteria: ACMG Guidelines, 2015. Collection method: clinical testing. Allele origin: germline.

NM_005448.2(BMP15):c.308A>G (p.Asn103Ser)

Gene: BMP15 (bone morphogenetic protein 15; plus strand). Cytogenetic location: Xp11.22.
Variant type: single nucleotide variant.
Coding change: c.308A>G on transcript NM_005448.2 (MANE Select); coding-DNA position 308, A replaced by G.
Protein change: p.Asn103Ser; replaces asparagine 103 with serine.
Molecular consequence: missense variant.
Genome position (GRCh38, 1-based): chrX:50,911,091, A>G. VCF-style: chrX-50911091-A-G. GRCh37 (hg19) VCF-style: chrX-50654091-A-G.
Other names: p.N103S:AAT>AGT; short protein forms N103S.
Identifiers: ClinVar variation 136523 (VCV000136523.10), dbSNP rs41308602, ClinGen allele CA289715.
Genomic context (GRCh38, chrX:50,911,091, plus strand): 5'-ACCCTAGAGAGAACCGCACCATTGGGGCCACCATGGTGAGGCTGGTGAAGCCCTTGACCA[A>G]TGTGGCAAGGCCTCACAGAGGTGAGTTGTTATGCCCCCATACTGCCCTGGAAGGGAGAGA-3'
Protein context (NP_005439.2, residues 93-113): TMVRLVKPLT[Asn103Ser]VARPHRGTWH